The following is an entry in ClinVar:

ClinVar aggregate classification (germline): Uncertain significance. Review status: criteria provided, multiple submitters, no conflicts (2 of 4 stars). 2 submissions from 2 submitters: Uncertain significance (2). Last evaluated 2024-08-02.

Submissions (2):

Blueprint Genetics
Classification: Uncertain significance. Last evaluated: 2024-08-02. Review status: criteria provided, single submitter. Criteria: ACMG Guidelines, 2015. Collection method: clinical testing. Allele origin: germline.

Labcorp Genetics (formerly Invitae), Labcorp
Classification: Uncertain significance. Last evaluated: 2022-07-18. Review status: criteria provided, single submitter. Criteria: Invitae Variant Classification Sherloc (09022015). Collection method: clinical testing. Allele origin: germline.
Comment: In summary, the available evidence is currently insufficient to determine the role of this variant in disease. Therefore, it has been classified as a Variant of Uncertain Significance. Experimental studies and prediction algorithms are not available or were not evaluated, and the functional significance of this variant is currently unknown. ClinVar contains an entry for this variant (Variation ID: 838529). This variant has not been reported in the literature in individuals affected with SLC24A1-related conditions. This variant, c.2071_2073del, results in the deletion of 1 amino acid(s) of the SLC24A1 protein (p.Lys691del), but otherwise preserves the integrity of the reading frame. This variant is present in population databases (rs748047300, gnomAD 0.03%).

NM_004727.3(SLC24A1):c.2071_2073del (p.Lys691del)

Gene: SLC24A1 (solute carrier family 24 member 1; plus strand). Cytogenetic location: 15q22.31.
Variant type: Deletion.
Coding change: c.2071_2073del on transcript NM_004727.3 (MANE Select); coding-DNA positions 2071 to 2073, 3 bases deleted (AAG; older notation c.2071_2073delAAG).
Protein change: p.Lys691del; deletes lysine 691.
Molecular consequence: inframe deletion.
Genome position (GRCh38, 1-based): chr15:65,644,444-65,644,446, AAG deleted; deleting any 3 consecutive bases within chr15:65,644,442-65,644,446 gives the same sequence; the c. name uses the placement nearest the transcript's 3' end. VCF-style (leftmost placement, unchanged base first): chr15-65644441-GAGA-G. GRCh37 (hg19) VCF-style: chr15-65936779-GAGA-G.
Other names: c.52_54del, p.Lys18del (NM_001254740.2); c.2071_2073del, p.Lys691del (NM_001301031.1); c.2017_2019del, p.Lys673del (NM_001301032.1, NM_001301033.2); short protein forms K691del, K18del, K673del.
Identifiers: ClinVar variation 838529 (VCV000838529.10), dbSNP rs748047300, ClinGen allele CA7620086.
Genomic context (GRCh38, chr15:65,644,441, plus strand): 5'-TGATCCTACAATTCCAGGTAAGATGTATGTCCTGTCTCATTTGCAGTTCGCCTTGCCAAG[GAGA>G]AGGAGGAGGAGAGCTTGAATCAAGGGGCCAGAGCCCAACCCCAGGCCAAAGCAGAAAGCA-3'